The following is an entry in ClinVar:

NM_001059.3(TACR3):c.916A>G (p.Met306Val)

Genes: TACR3 (tachykinin receptor 3; minus strand), TACR3-AS1 (TACR3 antisense RNA 1; plus strand). Cytogenetic location: 4q24.
Variant type: single nucleotide variant.
Coding change: c.916A>G on transcript NM_001059.3 (MANE Select); coding-DNA position 916, A replaced by G.
Protein change: p.Met306Val; replaces methionine 306 with valine.
Molecular consequence: missense variant.
Genome position (GRCh38, 1-based): chr4:103,591,656, T>C on the plus strand (A>G on the coding strand, the complement: TACR3 is on the minus strand). VCF-style: chr4-103591656-T-C. GRCh37 (hg19) VCF-style: chr4-104512813-T-C.
Other names: short protein forms M306V.
Identifiers: ClinVar variation 3391613 (VCV003391613.1).

ClinVar aggregate classification (germline): Uncertain significance (1 of 4 stars; one submission).

gnomAD v4.1: 65 of 1,613,242 alleles (0.004%); highest among the groups gnomAD compares: Non-Finnish European, 0.0053%; no homozygotes.

Submission:

GeneDx
Classification: Uncertain significance. Last evaluated: 2024-06-18. Review status: criteria provided, single submitter. Criteria: GeneDx Variant Classification Process June 2021. Collection method: clinical testing. Allele origin: germline. Affected: yes.
Comment: In silico analysis indicates that this missense variant does not alter protein structure/function; Has not been previously published as pathogenic or benign to our knowledge